The following is an entry in ClinVar:

ClinVar aggregate classification (germline): Uncertain significance. Review status: criteria provided, multiple submitters, no conflicts (2 of 4 stars). 2 submissions from 2 submitters: Uncertain significance (2). Last evaluated 2025-02-25.

Conditions:
Wiskott-Aldrich syndrome (WAS). Also called: Wiskott-aldrich syndrome, somatic; WISKOTT-ALDRICH SYNDROME 1; ALDRICH SYNDROME; IMMUNODEFICIENCY 2. Identifiers: Orphanet 906, MedGen C0043194, MONDO:0010518, OMIM 301000.
Thrombocytopenia 1. Also called: X-Linked Thrombocytopenia (XLT); X-linked thrombocytopenia with normal platelets; THROMBOCYTOPENIA, X-LINKED, 1. Identifiers: Orphanet 268322, Orphanet 852, MedGen C1839163, MONDO:0010743, OMIM 313900.
X-linked severe congenital neutropenia (SCNX). Identifiers: Orphanet 86788, MedGen C1845987, MONDO:0010294, OMIM 300299.

Allele frequency attached by ClinVar (database versions not stated): gnomAD exomes 0.00001 and below 0.00001; TOPMed 0.00001.

Submissions (2):

Labcorp Genetics (formerly Invitae), Labcorp
Classification: Uncertain significance for Wiskott-Aldrich syndrome; X-linked severe congenital neutropenia; Thrombocytopenia 1. Last evaluated: 2025-02-25. Review status: criteria provided, single submitter. Criteria: Invitae Variant Classification Sherloc (09022015). Collection method: clinical testing. Allele origin: germline.
Comment: This sequence change replaces arginine, which is basic and polar, with tryptophan, which is neutral and slightly polar, at codon 328 of the WAS protein (p.Arg328Trp). The frequency data for this variant in the population databases is considered unreliable, as metrics indicate poor data quality at this position in the gnomAD database. This variant has not been reported in the literature in individuals affected with WAS-related conditions. ClinVar contains an entry for this variant (Variation ID: 998348). Invitae Evidence Modeling of protein sequence and biophysical properties (such as structural, functional, and spatial information, amino acid conservation, physicochemical variation, residue mobility, and thermodynamic stability) indicates that this missense variant is not expected to disrupt WAS protein function with a negative predictive value of 80%. In summary, the available evidence is currently insufficient to determine the role of this variant in disease. Therefore, it has been classified as a Variant of Uncertain Significance.

Blueprint Genetics
Classification: Uncertain significance. Last evaluated: 2024-09-17. Review status: criteria provided, single submitter. Criteria: ACMG Guidelines, 2015. Collection method: clinical testing. Allele origin: germline.

NM_000377.3(WAS):c.982C>T (p.Arg328Trp)

Gene: WAS (WASP actin nucleation promoting factor; plus strand). Cytogenetic location: Xp11.23.
Variant type: single nucleotide variant.
Coding change: c.982C>T on transcript NM_000377.3 (MANE Select); coding-DNA position 982, C replaced by T.
Protein change: p.Arg328Trp; replaces arginine 328 with tryptophan.
Molecular consequence: missense variant.
Genome position (GRCh38, 1-based): chrX:48,688,710, C>T. VCF-style: chrX-48688710-C-T. GRCh37 (hg19) VCF-style: chrX-48547099-C-T.
Other names: short protein forms R328W.
Identifiers: ClinVar variation 998348 (VCV000998348.7), dbSNP rs1395979315, ClinGen allele CA412872839.